The following is an entry in ClinVar:

ClinVar aggregate classification (germline): Pathogenic/Likely pathogenic. Review status: criteria provided, multiple submitters, no conflicts (2 of 4 stars). 12 submissions from 12 submitters: Pathogenic (10); Likely pathogenic (1). 1 of the submissions does not count toward it. Last evaluated 2025-12-13.

Conditions:
Cardiovascular phenotype. Identifiers: MedGen CN230736.
KCNQ1-related disorder. Also called: KCNQ1-related condition; KCNQ1-related disorders. Identifiers: MedGen CN239322.
Familial long QT syndrome (RWS). Also called: Congenital long QT syndrome; Romano-Ward syndrome; VENTRICULAR FIBRILLATION WITH PROLONGED QT INTERVAL. Identifiers: Orphanet 768, MedGen C1141890, MONDO:0019171.
Long QT syndrome (LQTS). Identifiers: MedGen C0023976, MeSH D008133, MONDO:0002442. Disease mechanism: loss of function. Inheritance: Various modes of inheritance.
Long QT syndrome 1 (LQT1). Identifiers: Orphanet 101016, Orphanet 768, MedGen C4551647, MONDO:0100316, OMIM 192500, MONDO:0008646.

Allele frequency attached by ClinVar (database versions not stated): gnomAD exomes below 0.00001.
gnomAD v4.1: 4 of 1,614,036 alleles (0.00025%); highest among the groups gnomAD compares: Non-Finnish European, 0.00034%; no homozygotes.

Submissions 1 to 10 of 12:

Labcorp Genetics (formerly Invitae), Labcorp
Classification: Pathogenic for Long QT syndrome. Last evaluated: 2025-12-13. Review status: criteria provided, single submitter. Criteria: Invitae Variant Classification Sherloc (09022015). Collection method: clinical testing. Allele origin: germline.
Comment: This sequence change replaces glycine, which is neutral and non-polar, with arginine, which is basic and polar, at codon 325 of the KCNQ1 protein (p.Gly325Arg). This variant is not present in population databases (gnomAD no frequency). This missense change has been observed in individuals with long QT syndrome (PMID: 21118729, 22456477, 22949429, 23000022, 23092362, 23158531, 26669661). It has also been observed to segregate with disease in related individuals. ClinVar contains an entry for this variant (Variation ID: 53152). Invitae Evidence Modeling of protein sequence and biophysical properties (such as structural, functional, and spatial information, amino acid conservation, physicochemical variation, residue mobility, and thermodynamic stability) indicates that this missense variant is expected to disrupt KCNQ1 protein function with a positive predictive value of 95%. Experimental studies have shown that this missense change affects KCNQ1 function (PMID: 23000022, 23092362). For these reasons, this variant has been classified as Pathogenic.

Victorian Clinical Genetics Services, Murdoch Childrens Research Institute
Classification: Pathogenic for Long QT syndrome 1. Last evaluated: 2025-09-21. Review status: criteria provided, single submitter. Criteria: ACMG Guidelines, 2015. Collection method: clinical testing. Allele origin: germline. Affected: yes.
Comment: This variant is classified as Pathogenic. Evidence in support of pathogenic classification: Variant is present in gnomAD <0.01 (v4: 4 heterozygote(s), 0 homozygote(s)). - This variant has strong previous evidence of pathogenicity in unrelated individuals. This variant has been classified as pathogenic and likely pathogenic by clinical laboratories in ClinVar. It has also been reported in the literature in multiple families with long QT syndrome (PMIDs: 34860437, 22727609); Other missense variant(s) comparable to the one identified in this case have moderate previous evidence for pathogenicity. p.(Gly325Glu) and p.(Gly325Trp) have been classified as pathogenic or likely pathogenic by clinical laboratories in ClinVar; Missense variant predicted to be damaging by in silico tool(s) or highly conserved with a major amino acid change. Additional information: Variant is predicted to result in a missense amino acid change from Gly to Arg; This variant is heterozygous; This gene is known to be associated with both recessive and dominant disease. JLNS is characterised by congenital, bilateral deafness and variable degrees of QT prolongation, and is the only condition caused by biallelic variants (PMID: 28438721). - Variant is located in the annotated ion transport protein domain (DECIPHER). - Dominant negative, loss of function and gain of function are known mechanisms of disease in this gene. Gain of function variants result exclusively in short QT syndrome 2 (MIM#609621), while dominant negative and loss of function variants can cause long QT syndrome 1 (LQTS, MIM#192500), familial atrial fibrillation 3 (MIM#607554) as well as Jervell and Lange-Nielsen syndrome (JLNS, MIM#220400) (OMIM, PMIDs: 19632626, 28438721); The condition associated with this gene has incomplete penetrance (OMIM, PMID: 20301308).

Molecular Diagnostic Laboratory for Inherited Cardiovascular Disease, Montreal Heart Institute
Classification: Pathogenic for Cardiovascular phenotype. Last evaluated: 2025-07-17. Review status: criteria provided, single submitter. Criteria: ACMG Guidelines, 2015. Collection method: clinical testing. Allele origin: germline. Affected: yes.
Comment: PS3, PS4, PM1_strong, PP1_strong, PM2, PM5_supp, PP2, PP3

Clinical Genetics Laboratory, Skane University Hospital Lund
Classification: Pathogenic. Last evaluated: 2024-01-11. Review status: criteria provided, single submitter. Criteria: ACMG Guidelines, 2015. Collection method: clinical testing. Allele origin: germline. Affected: yes.

Dept of Medical Biology, Uskudar University
Classification: Pathogenic for Long QT syndrome. Last evaluated: 2024-01-08. Review status: criteria provided, single submitter. Criteria: Dept of Medical Biology Variant Classification. Collection method: research. Allele origin: unknown. Affected: yes. Observed: 1 variant allele.
Comment: Criteria: PS1, PS4_Moderate, PM1_Strong, PM2, PP3

Ambry Genetics
Classification: Pathogenic for Cardiovascular phenotype. Last evaluated: 2023-11-22. Review status: criteria provided, single submitter. Criteria: Ambry Variant Classification Scheme 2023. Collection method: clinical testing. Allele origin: germline.
Comment: The p.G325R pathogenic mutation (also known as c.973G>A), located in coding exon 7 of the KCNQ1 gene, results from a G to A substitution at nucleotide position 973. The glycine at codon 325 is replaced by arginine, an amino acid with dissimilar properties. This alteration (and another nucleotide change (c.973G>C) resulting in the same amino acid substitution) has been detected in multiple unrelated individuals reported to have long QT syndrome or prolonged QTc interval and has been reported to segregate with prolonged QTc intervals in families (Tanaka T et al. Circulation. 1997;95:565-7 (reported as G196R, GGG to AGG); Donger C et al. Circulation. 1997;96:2778-81; Splawski I et al. Circulation. 2000;102:1178-85; Lupoglazoff JM et al. J Am Coll Cardiol. 2004;43:826-30; Shimizu WJ et al. Am Coll Cardiol. 2004;44(1):117-25; Moss AJ et al. Circulation. 2007;115:2481-9; Kapa S et al. Circulation. 2009;120:1752-60; Crotti L et al. J Am Coll Cardiol. 2012;60(24):2515-24; Burgess DE et al. Biochemistry. 2012;51:9076-85). In addition, in vitro functional studies report this alteration to result in loss of function and dominant negative suppression of wild type channel current (Aidery P et al. Gene. 2012;511:26-33; Burgess DE et al. Biochemistry. 2012;51:9076-85). This variant is considered to be rare based on population cohorts in the Genome Aggregation Database (gnomAD). In addition, this alteration is predicted to be deleterious by in silico analysis. Based on the supporting evidence, this alteration is interpreted as a disease-causing mutation.

Blueprint Genetics
Classification: Pathogenic for KCNQ1-related disorders. Last evaluated: 2021-10-29. Review status: criteria provided, single submitter. Criteria: ACMG Guidelines, 2015. Collection method: clinical testing. Allele origin: germline. Affected: yes. Observed: 5 variant alleles.

GeneDx
Classification: Pathogenic. Last evaluated: 2021-10-26. Review status: criteria provided, single submitter. Criteria: GeneDx Variant Classification Process June 2021. Collection method: clinical testing. Allele origin: germline. Affected: yes.
Comment: Not observed at significant frequency in large population cohorts (gnomAD); In silico analysis supports that this missense variant has a deleterious effect on protein structure/function; Reported in ClinVar as pathogenic (ClinVar Variant ID# 53152; ClinVar); Published functional studies demonstrate that G325R leads to non-functional channels and suppresses wild-type current (Aidery et al., 2012; Burgess et al., 2012); This variant is associated with the following publications: (PMID: 9024139, 19841300, 17470695, 22949429, 21118729, 19716085, 15234419, 9386136, 14998624, 23092362, 23098067, 10973849, 26669661, 28292826, 22456477, 17905336, 11668638, 22581653, 29447731, 23000022, 32383558, 30123799)

Women's Health and Genetics/Laboratory Corporation of America, LabCorp
Classification: Pathogenic for Long QT syndrome. Last evaluated: 2020-08-28. Review status: criteria provided, single submitter. Criteria: LabCorp Variant Classification Summary - May 2015. Collection method: clinical testing. Allele origin: germline.
Comment: Variant summary: KCNQ1 c.973G>A (p.Gly325Arg) results in a non-conservative amino acid change located in the Ion transport domain of the encoded protein sequence. Five of five in-silico tools predict a damaging effect of the variant on protein function. The variant was absent in 251400 control chromosomes. c.973G>A has been reported in the literature in numerous individuals affected with LQTS, including a study that found the variant in 11 families in which the variant segregated with prolonged QTc in 15 individuals (Burgess_2012). Functional studies have reported the variant to lead to non-functional channel, resulting in a dominant negative suppression of wild-type current (Burgess_2012, Aidery_2012). Three clinical diagnostic laboratories have submitted clinical-significance assessments for this variant to ClinVar after 2014 without evidence for independent evaluation. All laboratories classified the variant as pathogenic. Based on the evidence outlined above, the variant was classified as pathogenic.

MVZ Martinsried, Medicover Genetics
Classification: Pathogenic for Long QT syndrome 1. Last evaluated: 2020-02-07. Review status: criteria provided, single submitter. Criteria: ACMG Guidelines, 2015. Collection method: clinical testing. Allele origin: unknown. Affected: yes.

NM_000218.3(KCNQ1):c.973G>A (p.Gly325Arg)

Gene: KCNQ1 (potassium voltage-gated channel subfamily Q member 1; plus strand). Cytogenetic location: 11p15.5.
Variant type: single nucleotide variant.
Coding change: c.973G>A on transcript NM_000218.3 (MANE Select); coding-DNA position 973, G replaced by A.
Protein change: p.Gly325Arg; replaces glycine 325 with arginine.
Molecular consequence: missense variant.
Genome position (GRCh38, 1-based): chr11:2,583,486, G>A. VCF-style: chr11-2583486-G-A. GRCh37 (hg19) VCF-style: chr11-2604716-G-A.
Other names: p.G325R:GGG>AGG; c.973G>A (LRG_287t1); c.973G>A, p.Gly325Arg (NM_001406836.1); c.703G>A, p.Gly235Arg (NM_001406837.1); c.529G>A, p.Gly177Arg (NM_001406838.1); c.592G>A, p.Gly198Arg (NM_181798.2); short protein forms G325R, G198R, G235R, G177R.
Identifiers: ClinVar variation 53152 (VCV000053152.25), dbSNP rs199472756, ClinGen allele CA008972.
Genomic context (GRCh38, chr11:2,583,486, plus strand): 5'-TCCCTGCAGGTCACAGTCACCACCATCGGCTATGGGGACAAGGTGCCCCAGACGTGGGTC[G>A]GGAAGACCATCGCCTCCTGCTTCTCTGTCTTTGCCATCTCCTTCTTTGCGCTCCCAGCGG-3'
Protein context (NP_000209.2, residues 315-335): YGDKVPQTWV[Gly325Arg]KTIASCFSVF